The following is an entry in ClinVar:

NM_001199107.2(TBC1D24):c.-116+18G>T

Genes: TBC1D24 (TBC1 domain family member 24; plus strand), LOC130058245 (ATAC-STARR-seq lymphoblastoid silent region 7054; plus strand). Cytogenetic location: 16p13.3.
Variant type: single nucleotide variant.
Coding change: c.-116+18G>T on transcript NM_001199107.2 (MANE Select); 18 bases into the intron after 116 bases upstream of the start codon, G replaced by T.
Molecular consequence: intron variant.
Genome position (GRCh38, 1-based): chr16:2,475,188, G>T. VCF-style: chr16-2475188-G-T. GRCh37 (hg19) VCF-style: chr16-2525189-G-T.
Other names: c.-116+18G>T (NM_020705.3).
Identifiers: ClinVar variation 668520 (VCV000668520.1), dbSNP rs1181532315, ClinGen allele CA719336164.

ClinVar aggregate classification (germline): Likely benign (1 of 4 stars; one submission).

Allele frequency attached by ClinVar (database versions not stated): TOPMed 0.00002.
gnomAD v4.1: 1 of 149,518 alleles (0.00067%); highest among the groups gnomAD compares: Non-Finnish European, 0.0015%; no homozygotes.

Submission:

GeneDx
Classification: Likely benign. Last evaluated: 2018-05-22. Review status: criteria provided, single submitter. Criteria: GeneDx Variant Classification (06012015). Collection method: clinical testing. Allele origin: germline. Affected: yes.
Comment: This variant is considered likely benign or benign based on one or more of the following criteria: it is a conservative change, it occurs at a poorly conserved position in the protein, it is predicted to be benign by multiple in silico algorithms, and/or has population frequency not consistent with disease.